The following is an entry in ClinVar:

ClinVar aggregate classification (germline): Conflicting classifications of pathogenicity. Review status: criteria provided, conflicting classifications (1 of 4 stars). 5 submissions from 5 submitters: Uncertain significance (4); Likely benign (1). Last evaluated 2026-01-24.

Conditions:
Johanson-Blizzard syndrome (JBS). Also called: Nasal alar hypoplasia, hypothyroidism, pancreatic achylia and congenital deafness. Identifiers: Orphanet 2315, MedGen C0175692, MONDO:0009479, OMIM 243800.

Allele frequency attached by ClinVar (database versions not stated): gnomAD 0.00034; ExAC 0.00035; TOPMed 0.00043; ESP Exome Variant Server 0.00054; gnomAD exomes 0.00062.
gnomAD v4.1: 956 of 1,613,866 alleles (0.059%); highest among the groups gnomAD compares: Middle Eastern, 0.082%; no homozygotes.

Submissions (5):

Labcorp Genetics (formerly Invitae), Labcorp
Classification: Likely benign. Last evaluated: 2026-01-24. Review status: criteria provided, single submitter. Criteria: Invitae Variant Classification Sherloc (09022015). Collection method: clinical testing. Allele origin: germline.

GeneDx
Classification: Uncertain significance. Last evaluated: 2025-12-15. Review status: criteria provided, single submitter. Criteria: GeneDx Variant Classification Process June 2021. Collection method: clinical testing. Allele origin: germline.
Comment: In silico analysis supports that this missense variant has a deleterious effect on protein structure/function; Has not been previously published as pathogenic or benign to our knowledge

Blueprint Genetics
Classification: Uncertain significance. Last evaluated: 2024-09-30. Review status: criteria provided, single submitter. Criteria: ACMG Guidelines, 2015. Collection method: clinical testing. Allele origin: germline.

Fulgent Genetics
Classification: Uncertain significance for Johanson-Blizzard syndrome. Last evaluated: 2024-06-11. Review status: criteria provided, single submitter. Criteria: ACMG Guidelines, 2015. Collection method: clinical testing. Allele origin: germline.

Department of Pathology and Laboratory Medicine, Sinai Health System
Classification: Uncertain significance for Johanson-Blizzard syndrome. Last evaluated: 2022-05-20. Review status: criteria provided, single submitter. Criteria: ACMG Guidelines, 2015. Collection method: research. Allele origin: germline.

NM_174916.3(UBR1):c.752G>T (p.Cys251Phe)

Gene: UBR1 (ubiquitin protein ligase E3 component n-recognin 1; minus strand). Cytogenetic location: 15q15.2.
Variant type: single nucleotide variant.
Coding change: c.752G>T on transcript NM_174916.3 (MANE Select); coding-DNA position 752, G replaced by T.
Protein change: p.Cys251Phe; replaces cysteine 251 with phenylalanine.
Molecular consequence: missense variant.
Genome position (GRCh38, 1-based): chr15:43,067,944, C>A on the plus strand (G>T on the coding strand, the complement: UBR1 is on the minus strand). VCF-style: chr15-43067944-C-A. GRCh37 (hg19) VCF-style: chr15-43360142-C-A.
Other names: short protein forms C251F.
Identifiers: ClinVar variation 1706419 (VCV001706419.11), dbSNP rs150617078, ClinGen allele CA7518934.